The following is an entry in ClinVar:

ClinVar aggregate classification (germline): Uncertain significance. Review status: criteria provided, multiple submitters, no conflicts (2 of 4 stars). 2 submissions from 2 submitters: Uncertain significance (2). Last evaluated 2025-01-26.

Conditions:
Intellectual developmental disorder 61. Also called: MENTAL RETARDATION, AUTOSOMAL DOMINANT 61; INTELLECTUAL DEVELOPMENTAL DISORDER, AUTOSOMAL DOMINANT 61. Identifiers: MedGen C5231400, MONDO:0032485, OMIM 618009.
MED13-related disorder. Also called: MED13-related condition.

Allele frequency attached by ClinVar (database versions not stated): gnomAD exomes 0.00002; TOPMed 0.00002.
gnomAD v4.1: 33 of 1,613,970 alleles (0.002%); highest among the groups gnomAD compares: Non-Finnish European, 0.0026%; no homozygotes.

Submissions (2):

Clinical Genomics Laboratory, Washington University in St. Louis
Classification: Uncertain significance for Intellectual developmental disorder 61. Last evaluated: 2025-01-26. Review status: criteria provided, single submitter. Criteria: ACMG Guidelines, 2015. Collection method: clinical testing. Allele origin: germline.
Comment: The MED13 c.3766G>T (p.Val1256Leu) variant, to our knowledge, has not been reported in the medical literature. This variant is only observed on 1 out of 249,248 alleles in the general population (gnomAD v.2.1.1), indicating it is not a common variant. Computational predictors are uncertain as to the impact of this variant on MED13 function. This variant has been reported in the ClinVar database as a germline variant of uncertain significance by one submitter. Due to limited information, and based on ACMG/AMP guidelines for variant interpretation (Richards S et al., PMID: 25741868), the clinical significance of this variant is uncertain at this time.

PreventionGenetics, part of Exact Sciences
Classification: Uncertain significance for MED13-related condition. Last evaluated: 2023-07-03. Review status: criteria provided, single submitter. Criteria: ACMG Guidelines, 2015. Collection method: clinical testing. Allele origin: germline.
Comment: The MED13 c.3766G>T variant is predicted to result in the amino acid substitution p.Val1256Leu. To our knowledge, this variant has not been reported in the literature or in a large population database, indicating this variant is rare. At this time, the clinical significance of this variant is uncertain due to the absence of conclusive functional and genetic evidence.

NM_005121.3(MED13):c.3766G>T (p.Val1256Leu)

Gene: MED13 (mediator complex subunit 13; minus strand). Cytogenetic location: 17q23.2.
Variant type: single nucleotide variant.
Coding change: c.3766G>T on transcript NM_005121.3 (MANE Select); coding-DNA position 3766, G replaced by T.
Protein change: p.Val1256Leu; replaces valine 1256 with leucine.
Molecular consequence: missense variant.
Genome position (GRCh38, 1-based): chr17:61,982,237, C>A on the plus strand (G>T on the coding strand, the complement: MED13 is on the minus strand). VCF-style: chr17-61982237-C-A. GRCh37 (hg19) VCF-style: chr17-60059598-C-A.
Other names: short protein forms V1256L.
Identifiers: ClinVar variation 2637228 (VCV002637228.2), dbSNP rs1189568307, ClinGen allele CA400502654.